The following is an entry in ClinVar:

NM_019032.6(ADAMTSL4):c.1733A>C (p.Gln578Pro)

Genes: ADAMTSL4 (ADAMTS like 4; plus strand), ADAMTSL4-AS2 (ADAMTSL4 antisense RNA 2; minus strand). Cytogenetic location: 1q21.2.
Variant type: single nucleotide variant.
Coding change: c.1733A>C on transcript NM_019032.6 (MANE Select); coding-DNA position 1733, A replaced by C.
Protein change: p.Gln578Pro; replaces glutamine 578 with proline.
Molecular consequence: missense variant.
Genome position (GRCh38, 1-based): chr1:150,556,777, A>C. VCF-style: chr1-150556777-A-C. GRCh37 (hg19) VCF-style: chr1-150529253-A-C.
Other names: c.1802A>C, p.Gln601Pro (NM_001288607.2, NM_001288608.2); c.1733A>C, p.Gln578Pro (NM_001378596.1, NM_025008.5); short protein forms Q578P, Q601P.
Identifiers: ClinVar variation 2128958 (VCV002128958.4), dbSNP rs2101629504, ClinGen allele CA342312964.
Genomic context (GRCh38, chr1:150,556,777, plus strand): 5'-ACCGTCCTCCCAGGGAGGAGGGCAAAGGGGAGAGTCTGTCGGCTGAAGGCCCCACCACCC[A>C]GCCTGTGGATGTCTATGTGAGCCTGGGGCCAGGGGCAGCTGAATGCTGGGGAGGGAGGCT-3'
Protein context (NP_061905.2, residues 568-588): ESLSAEGPTT[Gln578Pro]PVDVYMIFQE

ClinVar aggregate classification (germline): Uncertain significance (1 of 4 stars; one submission).

Submission:

Labcorp Genetics (formerly Invitae), Labcorp
Classification: Uncertain significance. Last evaluated: 2022-04-21. Review status: criteria provided, single submitter. Criteria: Invitae Variant Classification Sherloc (09022015). Collection method: clinical testing. Allele origin: germline.
Comment: This sequence change replaces glutamine, which is neutral and polar, with proline, which is neutral and non-polar, at codon 578 of the ADAMTSL4 protein (p.Gln578Pro). This variant is not present in population databases (gnomAD no frequency). This variant has not been reported in the literature in individuals affected with ADAMTSL4-related conditions. Algorithms developed to predict the effect of missense changes on protein structure and function (SIFT, PolyPhen-2, Align-GVGD) all suggest that this variant is likely to be disruptive. In summary, the available evidence is currently insufficient to determine the role of this variant in disease. Therefore, it has been classified as a Variant of Uncertain Significance.